The following is an entry in ClinVar:

ClinVar aggregate classification (germline): Uncertain significance (1 of 4 stars; one submission).

Submission:

Ambry Genetics
Classification: Uncertain significance. Last evaluated: 2025-04-25. Review status: criteria provided, single submitter. Criteria: Ambry Variant Classification Scheme 2023. Collection method: clinical testing. Allele origin: germline.
Comment: The p.R733T variant (also known as c.2198G>C), located in coding exon 13 of the GEN1 gene, results from a G to C substitution at nucleotide position 2198. The arginine at codon 733 is replaced by threonine, an amino acid with similar properties. This amino acid position is conserved. In addition, this alteration is predicted to be tolerated by in silico analysis. Based on the available evidence, the clinical significance of this variant remains unclear.

NM_001130009.3(GEN1):c.2198G>C (p.Arg733Thr)

Gene: GEN1 (GEN1 Holliday junction 5' flap endonuclease; plus strand). Cytogenetic location: 2p24.2.
Variant type: single nucleotide variant.
Coding change: c.2198G>C on transcript NM_001130009.3 (MANE Select); coding-DNA position 2198, G replaced by C.
Protein change: p.Arg733Thr; replaces arginine 733 with threonine.
Molecular consequence: missense variant.
Genome position (GRCh38, 1-based): chr2:17,781,410, G>C. VCF-style: chr2-17781410-G-C. GRCh37 (hg19) VCF-style: chr2-17962677-G-C.
Other names: c.2198G>C, p.Arg733Thr (NM_182625.5); short protein forms R733T.
Identifiers: ClinVar variation 4029257 (VCV004029257.1).
Genomic context (GRCh38, chr2:17,781,410, plus strand): 5'-CTGATTGTACATCACATCTTTCAAAGGATCTTCCAGGAATTCCCTTGCAAAATGAATCCA[G>C]AGACTCTAAAATTCTAAAAGGAGACCAGCTGCTTCAAGAAGACTATAAAGTCAATACTTC-3'
Protein context (NP_001123481.3, residues 723-743): LPGIPLQNES[Arg733Thr]DSKILKGDQL